The following is an entry in ClinVar:

ClinVar aggregate classification (germline): Conflicting classifications of pathogenicity. Review status: criteria provided, conflicting classifications (1 of 4 stars). 3 submissions from 3 submitters: Uncertain significance (2); Likely benign (1). Last evaluated 2026-01-12.

Conditions:
Cataract 18 (CATC2). Also called: CATARACT 18, AUTOSOMAL RECESSIVE. Identifiers: Orphanet 91492, Orphanet 98991, Orphanet 98992, Orphanet 98995, MedGen C1864908, MONDO:0012395, OMIM 610019.

Allele frequency attached by ClinVar (database versions not stated): ESP Exome Variant Server 0.00031; gnomAD exomes 0.00039 and 0.00063; TOPMed 0.00041; ExAC 0.00052; gnomAD 0.00063 and 0.00067.
gnomAD v4.1: 657 of 1,613,966 alleles (0.041%); highest among the groups gnomAD compares: Non-Finnish European, 0.038%; no homozygotes.

Submissions (3):

Labcorp Genetics (formerly Invitae), Labcorp
Classification: Likely benign for Cataract 18. Last evaluated: 2026-01-12. Review status: criteria provided, single submitter. Criteria: Invitae Variant Classification Sherloc (09022015). Collection method: clinical testing. Allele origin: germline.

Baylor Genetics
Classification: Uncertain significance for Cataract 18. Last evaluated: 2020-01-02. Review status: criteria provided, single submitter. Criteria: ACMG Guidelines, 2015. Collection method: clinical testing. Allele origin: unknown. Affected: yes.
Comment: This variant was determined to be of uncertain significance according to ACMG Guidelines, 2015 [PMID:25741868].

Illumina Laboratory Services, Illumina
Classification: Uncertain significance for Cataract 18. Last evaluated: 2018-01-12. Review status: criteria provided, single submitter. Criteria: ICSL Variant Classification Criteria 13 December 2019. Collection method: clinical testing. Allele origin: germline.

NM_024513.4(FYCO1):c.4151C>G (p.Ala1384Gly)

Gene: FYCO1 (FYVE and coiled-coil domain autophagy adaptor 1; minus strand). Cytogenetic location: 3p21.31.
Variant type: single nucleotide variant.
Coding change: c.4151C>G on transcript NM_024513.4 (MANE Select); coding-DNA position 4151, C replaced by G.
Protein change: p.Ala1384Gly; replaces alanine 1384 with glycine.
Molecular consequence: missense variant.
Genome position (GRCh38, 1-based): chr3:45,931,171, G>C on the plus strand (C>G on the coding strand, the complement: FYCO1 is on the minus strand). VCF-style: chr3-45931171-G-C. GRCh37 (hg19) VCF-style: chr3-45972663-G-C.
Other names: short protein forms A1384G.
Identifiers: ClinVar variation 901269 (VCV000901269.9), dbSNP rs149783680, ClinGen allele CA2352375.